The following is an entry in ClinVar:

ClinVar aggregate classification (germline): Uncertain significance (1 of 4 stars; one submission).

Conditions:
Fanconi anemia (FA). Also called: Fanconi's anemia. Identifiers: Orphanet 84, MedGen C0015625, MeSH D005199, MONDO:0019391.

Submission:

Labcorp Genetics (formerly Invitae), Labcorp
Classification: Uncertain significance for Fanconi anemia. Last evaluated: 2022-02-08. Review status: criteria provided, single submitter. Criteria: Invitae Variant Classification Sherloc (09022015). Collection method: clinical testing. Allele origin: germline.
Comment: Algorithms developed to predict the effect of missense changes on protein structure and function (SIFT, PolyPhen-2, Align-GVGD) all suggest that this variant is likely to be disruptive. In summary, the available evidence is currently insufficient to determine the role of this variant in disease. Therefore, it has been classified as a Variant of Uncertain Significance. This variant has not been reported in the literature in individuals affected with FANCF-related conditions. This sequence change replaces arginine, which is basic and polar, with histidine, which is basic and polar, at codon 55 of the FANCF protein (p.Arg55His). This variant is not present in population databases (gnomAD no frequency).

NM_022725.4(FANCF):c.164G>A (p.Arg55His)

Gene: FANCF (FA complementation group F; minus strand). Cytogenetic location: 11p14.3.
Variant type: single nucleotide variant.
Coding change: c.164G>A on transcript NM_022725.4 (MANE Select); coding-DNA position 164, G replaced by A.
Protein change: p.Arg55His; replaces arginine 55 with histidine.
Molecular consequence: missense variant.
Genome position (GRCh38, 1-based): chr11:22,625,647, C>T on the plus strand (G>A on the coding strand, the complement: FANCF is on the minus strand). VCF-style: chr11-22625647-C-T. GRCh37 (hg19) VCF-style: chr11-22647193-C-T.
Other names: short protein forms R55H.
Identifiers: ClinVar variation 2186241 (VCV002186241.4), dbSNP rs2133798530, ClinGen allele CA380059578.